The following is an entry in ClinVar:

NM_014846.4(WASHC5):c.2032C>T (p.His678Tyr)

Gene: WASHC5 (WASH complex subunit 5; minus strand). Cytogenetic location: 8q24.13.
Variant type: single nucleotide variant.
Coding change: c.2032C>T on transcript NM_014846.4 (MANE Select); coding-DNA position 2032, C replaced by T.
Protein change: p.His678Tyr; replaces histidine 678 with tyrosine.
Molecular consequence: missense variant.
Genome position (GRCh38, 1-based): chr8:125,055,656, G>A on the plus strand (C>T on the coding strand, the complement: WASHC5 is on the minus strand). VCF-style: chr8-125055656-G-A. GRCh37 (hg19) VCF-style: chr8-126067898-G-A.
Other names: c.1588C>T, p.His530Tyr (NM_001330609.2); short protein forms H530Y, H678Y.
Identifiers: ClinVar variation 1311560 (VCV001311560.5), dbSNP rs1403229183, ClinGen allele CA372190330.

ClinVar aggregate classification (germline): Uncertain significance. Review status: criteria provided, multiple submitters, no conflicts (2 of 4 stars). 2 submissions from 2 submitters: Uncertain significance (2). Last evaluated 2023-09-25.

Conditions:
Hereditary spastic paraplegia 8 (SPG8). Also called: SPASTIC PARAPLEGIA 8, AUTOSOMAL DOMINANT. Identifiers: Orphanet 100989, MedGen C1863704, MONDO:0011339, OMIM 603563.
Ritscher-Schinzel syndrome. Also called: CRANIOCEREBELLOCARDIAC DYSPLASIA. Identifiers: Orphanet 7, MedGen C0796137, MONDO:0019078.

Allele frequency attached by ClinVar (database versions not stated): gnomAD 0.00001; gnomAD exomes below 0.00001; TOPMed below 0.00001.
gnomAD v4.1: 3 of 1,608,696 alleles (0.00019%); highest among the groups gnomAD compares: Non-Finnish European, 0.00026%; no homozygotes.

Submissions (2):

Labcorp Genetics (formerly Invitae), Labcorp
Classification: Uncertain significance for Ritscher-Schinzel syndrome; Hereditary spastic paraplegia 8. Last evaluated: 2023-09-25. Review status: criteria provided, single submitter. Criteria: Invitae Variant Classification Sherloc (09022015). Collection method: clinical testing. Allele origin: germline.
Comment: In summary, the available evidence is currently insufficient to determine the role of this variant in disease. Therefore, it has been classified as a Variant of Uncertain Significance. Advanced modeling of protein sequence and biophysical properties (such as structural, functional, and spatial information, amino acid conservation, physicochemical variation, residue mobility, and thermodynamic stability) performed at Invitae indicates that this missense variant is not expected to disrupt WASHC5 protein function. ClinVar contains an entry for this variant (Variation ID: 1311560). This variant has not been reported in the literature in individuals affected with WASHC5-related conditions. This variant is not present in population databases (gnomAD no frequency). This sequence change replaces histidine, which is basic and polar, with tyrosine, which is neutral and polar, at codon 678 of the WASHC5 protein (p.His678Tyr).

GeneDx
Classification: Uncertain significance. Last evaluated: 2019-12-20. Review status: criteria provided, single submitter. Criteria: GeneDx Variant Classification Process June 2021. Collection method: clinical testing. Allele origin: germline. Affected: yes.
Comment: Not observed in large population cohorts (Lek et al., 2016); In silico analysis, which includes protein predictors and evolutionary conservation, supports that this variant does not alter protein structure/function; Has not been previously published as pathogenic or benign to our knowledge